The following is an entry in ClinVar:

NM_005629.4(SLC6A8):c.80C>G (p.Pro27Arg)

Gene: SLC6A8 (solute carrier family 6 member 8; plus strand). Cytogenetic location: Xq28.
Variant type: single nucleotide variant.
Coding change: c.80C>G on transcript NM_005629.4 (MANE Select); coding-DNA position 80, C replaced by G.
Protein change: p.Pro27Arg; replaces proline 27 with arginine.
Molecular consequence: missense variant.
Genome position (GRCh38, 1-based): chrX:153,688,654, C>G. VCF-style: chrX-153688654-C-G. GRCh37 (hg19) VCF-style: chrX-152954109-C-G.
Other names: c.80C>G, p.Pro27Arg (NM_001142805.2); short protein forms P27R.
Identifiers: ClinVar variation 4077350 (VCV004077350.1).

ClinVar aggregate classification (germline): Uncertain significance (1 of 4 stars; one submission).

Submission:

GeneDx
Classification: Uncertain significance. Last evaluated: 2025-02-27. Review status: criteria provided, single submitter. Criteria: GeneDx Variant Classification Process June 2021. Collection method: clinical testing. Allele origin: germline. Affected: yes.
Comment: Not observed at significant frequency in large population cohorts (gnomAD); In silico analysis indicates that this missense variant does not alter protein structure/function; Has not been previously published as pathogenic or benign to our knowledge